The following is an entry in ClinVar:

ClinVar aggregate classification (germline): Uncertain significance. Review status: criteria provided, multiple submitters, no conflicts (2 of 4 stars). 3 submissions from 3 submitters: Uncertain significance (3). Last evaluated 2024-11-20.

Conditions:
Tumoral calcinosis, hyperphosphatemic, familial, 1. Also called: CALCINOSIS, TUMORAL, WITH HYPERPHOSPHATEMIA; LIPOCALCINOGRANULOMATOSIS; MORBUS TEUTSCHLAENDER; HYPEROSTOSIS WITH HYPERPHOSPHATEMIA; HYPEROSTOSIS-HYPERPHOSPHATEMIA SYNDROME; CORTICAL HYPEROSTOSIS WITH HYPERPHOSPHATEMIA. Identifiers: Orphanet 53715, MedGen C4692564, MONDO:0100252, OMIM 211900.

Allele frequency attached by ClinVar (database versions not stated): gnomAD exomes 0.00010 and 0.00015; ExAC 0.00015; gnomAD 0.00036; TOPMed 0.00043; ESP Exome Variant Server 0.00062.
gnomAD v4.1: 210 of 1,614,098 alleles (0.013%); highest among the groups gnomAD compares: African/African-American, 0.087%; no homozygotes.

Submissions (3):

Blueprint Genetics
Classification: Uncertain significance. Last evaluated: 2024-11-20. Review status: criteria provided, single submitter. Criteria: ACMG Guidelines, 2015. Collection method: clinical testing. Allele origin: germline.

Labcorp Genetics (formerly Invitae), Labcorp
Classification: Uncertain significance. Last evaluated: 2022-10-17. Review status: criteria provided, single submitter. Criteria: Invitae Variant Classification Sherloc (09022015). Collection method: clinical testing. Allele origin: germline.
Comment: This sequence change replaces leucine, which is neutral and non-polar, with tryptophan, which is neutral and slightly polar, at codon 98 of the GALNT3 protein (p.Leu98Trp). This variant is present in population databases (rs143136193, gnomAD 0.09%). This variant has not been reported in the literature in individuals affected with GALNT3-related conditions. ClinVar contains an entry for this variant (Variation ID: 894067). Algorithms developed to predict the effect of missense changes on protein structure and function are either unavailable or do not agree on the potential impact of this missense change (SIFT: "Deleterious"; PolyPhen-2: "Probably Damaging"; Align-GVGD: "Class C0"). In summary, the available evidence is currently insufficient to determine the role of this variant in disease. Therefore, it has been classified as a Variant of Uncertain Significance.

Illumina Laboratory Services, Illumina
Classification: Uncertain significance for Tumoral calcinosis, hyperphosphatemic, familial, 1. Last evaluated: 2018-01-12. Review status: criteria provided, single submitter. Criteria: ICSL Variant Classification Criteria 13 December 2019. Collection method: clinical testing. Allele origin: germline.

NM_004482.4(GALNT3):c.293T>G (p.Leu98Trp)

Gene: GALNT3 (polypeptide N-acetylgalactosaminyltransferase 3; minus strand). Cytogenetic location: 2q24.3.
Variant type: single nucleotide variant.
Coding change: c.293T>G on transcript NM_004482.4 (MANE Select); coding-DNA position 293, T replaced by G.
Protein change: p.Leu98Trp; replaces leucine 98 with tryptophan.
Molecular consequence: missense variant.
Genome position (GRCh38, 1-based): chr2:165,770,408, A>C on the plus strand (T>G on the coding strand, the complement: GALNT3 is on the minus strand). VCF-style: chr2-165770408-A-C. GRCh37 (hg19) VCF-style: chr2-166626918-A-C.
Other names: short protein forms L98W.
Identifiers: ClinVar variation 894067 (VCV000894067.9), dbSNP rs143136193, ClinGen allele CA1941259.